The following is an entry in ClinVar:

ClinVar aggregate classification (germline): Uncertain significance (1 of 4 stars; one submission).

gnomAD v4.1: 4 of 1,568,350 alleles (0.00026%); highest among the groups gnomAD compares: Non-Finnish European, 0.00035%; no homozygotes.

Submission:

Women's Health and Genetics/Laboratory Corporation of America, LabCorp
Classification: Uncertain significance. Last evaluated: 2024-06-19. Review status: criteria provided, single submitter. Criteria: LabCorp Variant Classification Summary - May 2015. Collection method: clinical testing. Allele origin: germline.
Comment: Variant summary: RBPJ c.194+6A>C alters a non-conserved nucleotide located close to a canonical splice site and therefore could affect mRNA splicing, leading to a significantly altered protein sequence. Several computational tools predict a significant impact on normal splicing: One predict the variant weakens a 5' donor site. Two predict the variant strengthens a cryptic 5' donor site. Three predict the variant no significant impact on splicing. However, these predictions have yet to be confirmed by functional studies. The variant was absent in 31400 control chromosomes (gnomAD). The available data on variant occurrences in the general population are insufficient to allow any conclusion about variant significance. To our knowledge, no occurrence of c.194+6A>C in individuals affected with Adams-Oliver Syndrome 3 and no experimental evidence demonstrating its impact on protein function have been reported. No submitters have cited clinical-significance assessments for this variant to ClinVar. Based on the evidence outlined above, the variant was classified as uncertain significance.

NM_015874.6(RBPJ):c.155+6A>C

Genes: RBPJ (recombination signal binding protein for immunoglobulin kappa J region; plus strand), LOC126807011 (MED14-independent group 3 enhancer GRCh37_chr4:26407341-26408540; plus strand). Cytogenetic location: 4p15.2.
Variant type: single nucleotide variant.
Coding change: c.155+6A>C on transcript NM_015874.6 (MANE Select); 6 bases into the intron after coding-DNA position 155, A replaced by C.
Molecular consequence: intron variant.
Genome position (GRCh38, 1-based): chr4:26,406,276, A>C. VCF-style: chr4-26406276-A-C. GRCh37 (hg19) VCF-style: chr4-26407898-A-C.
Other names: c.152+6A>C (NM_001374401.1, NM_001379407.1, NM_001379406.1 and 3 more transcripts); c.194+6A>C (NM_005349.4, NM_001379408.1, NM_001374400.1); c.89+6A>C (NM_203283.5, NM_001363577.2); c.149+6A>C (NM_001379409.1).
Identifiers: ClinVar variation 3339977 (VCV003339977.1).